The following is an entry in ClinVar:

ClinVar aggregate classification (germline): Uncertain significance (1 of 4 stars; one submission).

Conditions:
Hereditary cancer-predisposing syndrome. Also called: Hereditary Cancer Syndrome; Hereditary neoplastic syndrome; Neoplastic Syndromes, Hereditary; Tumor predisposition. Identifiers: Orphanet 140162, MedGen C0027672, MeSH D009386, MONDO:0015356.

Submission:

Ambry Genetics
Classification: Uncertain significance for Hereditary cancer-predisposing syndrome. Last evaluated: 2022-09-30. Review status: criteria provided, single submitter. Criteria: Ambry Variant Classification Scheme 2023. Collection method: clinical testing. Allele origin: germline.
Comment: The p.P432H variant (also known as c.1295C>A), located in coding exon 12 of the FANCC gene, results from a C to A substitution at nucleotide position 1295. The proline at codon 432 is replaced by histidine, an amino acid with similar properties. This amino acid position is conserved. In addition, this alteration is predicted to be deleterious by in silico analysis. Since supporting evidence is limited at this time, the clinical significance of this alteration remains unclear.

NM_000136.3(FANCC):c.1295C>A (p.Pro432His)

Genes: FANCC (FA complementation group C; minus strand), AOPEP (aminopeptidase O (putative); plus strand). Cytogenetic location: 9q22.32.
Variant type: single nucleotide variant.
Coding change: c.1295C>A on transcript NM_000136.3 (MANE Select); coding-DNA position 1295, C replaced by A.
Protein change: p.Pro432His; replaces proline 432 with histidine.
Molecular consequence: missense variant.
Genome position (GRCh38, 1-based): chr9:95,111,497, G>T on the plus strand (C>A on the coding strand, the complement: FANCC is on the minus strand). VCF-style: chr9-95111497-G-T. GRCh37 (hg19) VCF-style: chr9-97873779-G-T.
Other names: c.1295C>A, p.Pro432His (NM_001243743.2, NM_001243744.2); short protein forms P432H.
Identifiers: ClinVar variation 1769188 (VCV001769188.2), dbSNP rs2540883463, ClinGen allele CA374107287.
Genomic context (GRCh38, chr9:95,111,497, plus strand): 5'-CACATGCAGTGGGGCCTGCTACCCACCATAGTCTGTGCTCTCTGCTGCCTCCCATCACGG[G>T]GGCCGTAGTAGAAGGCCAAGAGCCACAGCAGGGCCGTGGGGGGTTCGGCTGCCGACATCA-3'
Protein context (NP_000127.2, residues 422-442): LLWLLAFYYG[Pro432His]RDGRQQRAQT